The following is an entry in ClinVar:

ClinVar aggregate classification (germline): Uncertain significance. Review status: criteria provided, multiple submitters, no conflicts (2 of 4 stars). 2 submissions from 2 submitters: Uncertain significance (2). Last evaluated 2026-02-06.

Conditions:
2-aminoadipic 2-oxoadipic aciduria (AAKAD). Also called: Aminoadipic aciduria; ALPHA-AMINOADIPIC AND ALPHA-KETOADIPIC ACIDURIA. Identifiers: Orphanet 79154, MedGen C1859817, MONDO:0008774, OMIM 204750.

gnomAD v4.1: 35 of 1,613,796 alleles (0.0022%); highest among the groups gnomAD compares: East Asian, 0.0067%; 1 homozygote.

Submissions (2):

Women's Health and Genetics/Laboratory Corporation of America, LabCorp
Classification: Uncertain significance. Last evaluated: 2026-02-06. Review status: criteria provided, single submitter. Criteria: LabCorp Variant Classification Summary - May 2015. Collection method: clinical testing. Allele origin: germline.
Comment: Variant summary: DHTKD1 c.2662C>T (p.Arg888Cys) results in a non-conservative amino acid change in the encoded protein sequence. Algorithms developed to predict the effect of missense changes on protein structure and function are either unavailable or do not agree on the potential impact of this missense change. The variant allele was found at a frequency of 2e-05 in 251470 control chromosomes. The available data on variant occurrences in the general population are insufficient to allow any conclusion about variant significance. To our knowledge, no occurrence of c.2662C>T in individuals affected with DHTKD1-related conditions and no experimental evidence demonstrating its impact on protein function have been reported. ClinVar contains an entry for this variant (Variation ID: 1473107). Based on the evidence outlined above, the variant was classified as uncertain significance.

Labcorp Genetics (formerly Invitae), Labcorp
Classification: Uncertain significance for 2-aminoadipic 2-oxoadipic aciduria. Last evaluated: 2024-08-28. Review status: criteria provided, single submitter. Criteria: Invitae Variant Classification Sherloc (09022015). Collection method: clinical testing. Allele origin: germline.
Comment: This sequence change replaces arginine, which is basic and polar, with cysteine, which is neutral and slightly polar, at codon 888 of the DHTKD1 protein (p.Arg888Cys). This variant is present in population databases (rs143212640, gnomAD 0.004%). This variant has not been reported in the literature in individuals affected with DHTKD1-related conditions. ClinVar contains an entry for this variant (Variation ID: 1473107). Invitae Evidence Modeling of protein sequence and biophysical properties (such as structural, functional, and spatial information, amino acid conservation, physicochemical variation, residue mobility, and thermodynamic stability) indicates that this missense variant is not expected to disrupt DHTKD1 protein function with a negative predictive value of 80%. In summary, the available evidence is currently insufficient to determine the role of this variant in disease. Therefore, it has been classified as a Variant of Uncertain Significance.

NM_018706.7(DHTKD1):c.2662C>T (p.Arg888Cys)

Gene: DHTKD1 (dehydrogenase E1 and transketolase domain containing 1; plus strand). Cytogenetic location: 10p14.
Variant type: single nucleotide variant.
Coding change: c.2662C>T on transcript NM_018706.7 (MANE Select); coding-DNA position 2662, C replaced by T.
Protein change: p.Arg888Cys; replaces arginine 888 with cysteine.
Molecular consequence: missense variant.
Genome position (GRCh38, 1-based): chr10:12,120,790, C>T. VCF-style: chr10-12120790-C-T. GRCh37 (hg19) VCF-style: chr10-12162789-C-T.
Other names: short protein forms R888C.
Identifiers: ClinVar variation 1473107 (VCV001473107.9), dbSNP rs143212640, ClinGen allele CA5408364.